The following is an entry in ClinVar:

NM_014804.3(KIAA0753):c.2431G>A (p.Glu811Lys)

Gene: KIAA0753 (KIAA0753; minus strand). Cytogenetic location: 17p13.1.
Variant type: single nucleotide variant.
Coding change: c.2431G>A on transcript NM_014804.3 (MANE Select); coding-DNA position 2431, G replaced by A.
Protein change: p.Glu811Lys; replaces glutamic acid 811 with lysine.
Molecular consequence: missense variant. On other transcripts: non-coding transcript variant (3).
Genome position (GRCh38, 1-based): chr17:6,594,981, C>T on the plus strand (G>A on the coding strand, the complement: KIAA0753 is on the minus strand). VCF-style: chr17-6594981-C-T. GRCh37 (hg19) VCF-style: chr17-6498301-C-T.
Other names: c.1534G>A, p.Glu512Lys (NM_001351225.2); c.2431G>A (NM_014804.2); short protein forms E811K, E512K.
Identifiers: ClinVar variation 1351091 (VCV001351091.6), dbSNP rs201360042, ClinGen allele CA8330152.
Genomic context (GRCh38, chr17:6,594,981, plus strand): 5'-TGAAATTCTTCAGAATAAAATGTTAGGGGAAAAACATGGGGAAACACTCACCATTGTTTT[C>T]TTCCTGCATCCAAAGTCGAGGATCAGCATATGCGATTTTATTATATCTTTGACGAACAGA-3'
Protein context (NP_055619.2, residues 801-821): YADPRLWMQE[Glu811Lys]NNDQKISAIS

ClinVar aggregate classification (germline): Conflicting classifications of pathogenicity. Review status: criteria provided, conflicting classifications (1 of 4 stars). 4 submissions from 4 submitters: Uncertain significance (3); Likely benign (1). Last evaluated 2024-11-13.

Conditions:
Inborn genetic diseases. Identifiers: MedGen C0950123, MeSH D030342.

Allele frequency attached by ClinVar (database versions not stated): 1000 Genomes Project 30x 0.00016; 1000 Genomes Project 0.00020; gnomAD 0.00024; gnomAD exomes 0.00024 and 0.00045; ExAC 0.00027; TOPMed 0.00027; ESP Exome Variant Server 0.00034.
gnomAD v4.1: 693 of 1,610,034 alleles (0.043%); highest among the groups gnomAD compares: Non-Finnish European, 0.055%; 1 homozygote.

Submissions (4):

Blueprint Genetics
Classification: Likely benign. Last evaluated: 2024-11-13. Review status: criteria provided, single submitter. Criteria: ACMG Guidelines, 2015. Collection method: clinical testing. Allele origin: germline.

GeneDx
Classification: Uncertain significance. Last evaluated: 2024-09-16. Review status: criteria provided, single submitter. Criteria: GeneDx Variant Classification Process June 2021. Collection method: clinical testing. Allele origin: germline. Affected: yes.
Comment: In silico analysis indicates that this missense variant does not alter protein structure/function; Has not been previously published as pathogenic or benign to our knowledge

Labcorp Genetics (formerly Invitae), Labcorp
Classification: Uncertain significance. Last evaluated: 2022-08-29. Review status: criteria provided, single submitter. Criteria: Invitae Variant Classification Sherloc (09022015). Collection method: clinical testing. Allele origin: germline.
Comment: This sequence change replaces glutamic acid, which is acidic and polar, with lysine, which is basic and polar, at codon 811 of the KIAA0753 protein (p.Glu811Lys). This variant is present in population databases (rs201360042, gnomAD 0.05%). This variant has not been reported in the literature in individuals affected with KIAA0753-related conditions. ClinVar contains an entry for this variant (Variation ID: 1351091). Algorithms developed to predict the effect of missense changes on protein structure and function (SIFT, PolyPhen-2, Align-GVGD) all suggest that this variant is likely to be tolerated. In summary, the available evidence is currently insufficient to determine the role of this variant in disease. Therefore, it has been classified as a Variant of Uncertain Significance.

Ambry Genetics
Classification: Uncertain significance for Inborn genetic diseases. Last evaluated: 2021-08-02. Review status: criteria provided, single submitter. Criteria: Ambry Variant Classification Scheme 2023. Collection method: clinical testing. Allele origin: germline.